The following is an entry in ClinVar:

NM_000089.4(COL1A2):c.3238C>T (p.Arg1080Ter)

Gene: COL1A2 (collagen type I alpha 2 chain; plus strand). Cytogenetic location: 7q21.3.
Variant type: single nucleotide variant.
Coding change: c.3238C>T on transcript NM_000089.4 (MANE Select); coding-DNA position 3238, C replaced by T.
Protein change: p.Arg1080Ter; replaces arginine 1080 with a stop codon.
Molecular consequence: nonsense.
Genome position (GRCh38, 1-based): chr7:94,427,266, C>T. VCF-style: chr7-94427266-C-T. GRCh37 (hg19) VCF-style: chr7-94056578-C-T.
Other names: short protein forms R1080*.
Identifiers: ClinVar variation 1069621 (VCV001069621.46), dbSNP rs780395429, ClinGen allele CA4347707.

ClinVar aggregate classification (germline): Pathogenic (1 of 4 stars; one submission).

Conditions:
Osteogenesis imperfecta type I (OI1). Also called: OI, TYPE I; OSTEOGENESIS IMPERFECTA TARDA; OSTEOGENESIS IMPERFECTA WITH BLUE SCLERAE; Osteogenesis imperfecta type 1; Classic Non-deforming Osteogenesis Imperfecta with Blue Sclerae; Lobstein's Disease. Identifiers: Orphanet 216796, Orphanet 666, MedGen C0023931, MONDO:0008146, OMIM 166200. Disease mechanism: loss of function.
Ehlers-Danlos syndrome, classic type, 1 (EDSCL1). Also called: EHLERS-DANLOS SYNDROME, GRAVIS TYPE; EHLERS-DANLOS SYNDROME, SEVERE CLASSIC TYPE; EDS I; Ehlers-Danlos Syndrome, Classic Type, COL5A1-Related; Ehlers-Danlos syndrome, type 1. Identifiers: MedGen C0268335, MONDO:0019567, OMIM 130000.

Allele frequency attached by ClinVar (database versions not stated): gnomAD exomes below 0.00001; TOPMed below 0.00001; ExAC 0.00001.
gnomAD v4.1: 2 of 1,613,556 alleles (0.00012%); highest among the groups gnomAD compares: Non-Finnish European, 0.00017%; no homozygotes.

Submission:

Labcorp Genetics (formerly Invitae), Labcorp
Classification: Pathogenic for Osteogenesis imperfecta type I; Ehlers-Danlos syndrome, classic type, 1. Last evaluated: 2024-06-15. Review status: criteria provided, single submitter. Criteria: Invitae Variant Classification Sherloc (09022015). Collection method: clinical testing. Allele origin: germline.
Comment: This sequence change creates a premature translational stop signal (p.Arg1080*) in the COL1A2 gene. It is expected to result in an absent or disrupted protein product. Loss-of-function variants in COL1A2 are known to be pathogenic (PMID: 11288717, 15077201). This variant is present in population databases (rs780395429, gnomAD 0.0009%). This variant has not been reported in the literature in individuals affected with COL1A2-related conditions. ClinVar contains an entry for this variant (Variation ID: 1069621). For these reasons, this variant has been classified as Pathogenic.

Literature cited by the submitters: PubMed 11288717; PubMed 15077201.